The following is an entry in ClinVar:

NM_032242.4(PLXNA1):c.3229C>T (p.Arg1077Cys)

Gene: PLXNA1 (plexin A1; plus strand). Cytogenetic location: 3q21.3.
Variant type: single nucleotide variant.
Coding change: c.3229C>T on transcript NM_032242.4 (MANE Select); coding-DNA position 3229, C replaced by T.
Protein change: p.Arg1077Cys; replaces arginine 1077 with cysteine.
Molecular consequence: missense variant.
Genome position (GRCh38, 1-based): chr3:127,016,990, C>T. VCF-style: chr3-127016990-C-T. GRCh37 (hg19) VCF-style: chr3-126735833-C-T.
Other names: short protein forms R1077C.
Identifiers: ClinVar variation 4981912 (VCV004981912.1).

ClinVar aggregate classification (germline): Uncertain significance (1 of 4 stars; one submission).

Conditions:
PLXNA1-related disorder. Also called: PLXNA1-related condition.

gnomAD v4.1: 22 of 1,613,400 alleles (0.0014%); highest among the groups gnomAD compares: African/African-American, 0.0053%; no homozygotes.

Submission:

PreventionGenetics, part of Exact Sciences
Classification: Uncertain significance for PLXNA1-related condition. Last evaluated: 2026-05-27. Review status: criteria provided, single submitter. Criteria: ACMG Guidelines, 2015. Collection method: clinical testing. Allele origin: germline.
Comment: The PLXNA1 c.3229C>T variant is predicted to result in the amino acid substitution p.Arg1077Cys. To our knowledge, this variant has not been reported in the literature. This variant is reported in 0.0047% of alleles in individuals of European (non-Finnish) descent in gnomAD. At this time, the clinical significance of this variant is uncertain due to the absence of conclusive functional and genetic evidence.